The following is an entry in ClinVar:

ClinVar aggregate classification (germline): Conflicting classifications of pathogenicity. Review status: criteria provided, conflicting classifications (1 of 4 stars). 3 submissions from 3 submitters: Uncertain significance (2); Likely benign (1). Last evaluated 2025-10-15.

Conditions:
Familial hemophagocytic lymphohistiocytosis 3 (FHL3). Also called: UNC13D-Related Familial Hemophagocytic Lymphohistiocytosis (UNC13D-fHLH). Identifiers: Orphanet 540, MedGen C1837174, MONDO:0012146, OMIM 608898.
Inborn genetic diseases. Identifiers: MedGen C0950123, MeSH D030342.

Allele frequency attached by ClinVar (database versions not stated): gnomAD 0.00002 and 0.00003; gnomAD exomes 0.00002 and 0.00005; TOPMed 0.00002; ExAC 0.00004.
gnomAD v4.1: 68 of 1,613,582 alleles (0.0042%); highest among the groups gnomAD compares: Non-Finnish European, 0.0057%; no homozygotes.

Submissions (3):

Ambry Genetics
Classification: Likely benign for Inborn genetic diseases. Last evaluated: 2025-10-15. Review status: criteria provided, single submitter. Criteria: Ambry Variant Classification Scheme 2023. Collection method: clinical testing. Allele origin: germline.

Mayo Clinic Laboratories, Mayo Clinic
Classification: Uncertain significance. Last evaluated: 2024-01-02. Review status: criteria provided, single submitter. Criteria: ACMG Guidelines, 2015. Collection method: clinical testing. Allele origin: germline. Observed: 1 variant allele.
Comment: BP4

Labcorp Genetics (formerly Invitae), Labcorp
Classification: Uncertain significance for Familial hemophagocytic lymphohistiocytosis 3. Last evaluated: 2021-09-01. Review status: criteria provided, single submitter. Criteria: Invitae Variant Classification Sherloc (09022015). Collection method: clinical testing. Allele origin: germline.

NM_199242.3(UNC13D):c.1477G>A (p.Gly493Ser)

Gene: UNC13D (unc-13 homolog D; minus strand). Cytogenetic location: 17q25.1.
Variant type: single nucleotide variant.
Coding change: c.1477G>A on transcript NM_199242.3 (MANE Select); coding-DNA position 1477, G replaced by A.
Protein change: p.Gly493Ser; replaces glycine 493 with serine.
Molecular consequence: missense variant.
Genome position (GRCh38, 1-based): chr17:75,836,079, C>T on the plus strand (G>A on the coding strand, the complement: UNC13D is on the minus strand). VCF-style: chr17-75836079-C-T. GRCh37 (hg19) VCF-style: chr17-73832160-C-T.
Other names: p.Gly493Ser; short protein forms G493S.
Identifiers: ClinVar variation 840310 (VCV000840310.7), dbSNP rs759754878, ClinGen allele CA8772955.